The following is an entry in ClinVar:

ClinVar aggregate classification (germline): Uncertain significance (1 of 4 stars; one submission).

Submission:

GeneDx
Classification: Uncertain significance. Last evaluated: 2023-11-09. Review status: criteria provided, single submitter. Criteria: GeneDx Variant Classification Process June 2021. Collection method: clinical testing. Allele origin: germline. Affected: yes.
Comment: Not observed at significant frequency in large population cohorts (gnomAD); In silico analysis supports that this missense variant does not alter protein structure/function; Has not been previously published as pathogenic or benign to our knowledge

NM_014727.3(KMT2B):c.1868C>A (p.Pro623Gln)

Gene: KMT2B (lysine methyltransferase 2B; plus strand). Cytogenetic location: 19q13.12.
Variant type: single nucleotide variant.
Coding change: c.1868C>A on transcript NM_014727.3 (MANE Select); coding-DNA position 1868, C replaced by A.
Protein change: p.Pro623Gln; replaces proline 623 with glutamine.
Molecular consequence: missense variant.
Genome position (GRCh38, 1-based): chr19:35,721,215, C>A. VCF-style: chr19-35721215-C-A. GRCh37 (hg19) VCF-style: chr19-36212117-C-A.
Other names: short protein forms P623Q.
Identifiers: ClinVar variation 3363801 (VCV003363801.1).
Genomic context (GRCh38, chr19:35,721,215, plus strand): 5'-TCCTAAGGGAACCCACATTTCGCTGGACCTCACTGACCCGGGAGCTGCCCCCTCCTCCCC[C>A]AGCCCCTCCACCTCCCCCGGCCCCCTCCCCACCCCCTGCTCCTGCCACCTCCTCCCGGAG-3'
Protein context (NP_055542.1, residues 613-633): SLTRELPPPP[Pro623Gln]APPPPPAPSP